The following is an entry in ClinVar:

ClinVar aggregate classification (germline): Uncertain significance (1 of 4 stars; one submission).

Submission:

GeneDx
Classification: Uncertain significance. Last evaluated: 2024-10-15. Review status: criteria provided, single submitter. Criteria: GeneDx Variant Classification Process June 2021. Collection method: clinical testing. Allele origin: germline. Affected: yes.
Comment: Not observed at significant frequency in large population cohorts (gnomAD); In silico analysis supports that this missense variant has a deleterious effect on protein structure/function; Has not been previously published as pathogenic or benign to our knowledge

NM_004187.5(KDM5C):c.725G>C (p.Gly242Ala)

Gene: KDM5C (lysine demethylase 5C; minus strand). Cytogenetic location: Xp11.22.
Variant type: single nucleotide variant.
Coding change: c.725G>C on transcript NM_004187.5 (MANE Select); coding-DNA position 725, G replaced by C.
Protein change: p.Gly242Ala; replaces glycine 242 with alanine.
Molecular consequence: missense variant. On other transcripts: non-coding transcript variant (3).
Genome position (GRCh38, 1-based): chrX:53,216,130, C>G on the plus strand (G>C on the coding strand, the complement: KDM5C is on the minus strand). VCF-style: chrX-53216130-C-G. GRCh37 (hg19) VCF-style: chrX-53245312-C-G.
Other names: c.524G>C, p.Gly175Ala (NM_001146702.2); c.722G>C, p.Gly241Ala (NM_001282622.3, NM_001353979.2, NM_001353982.2); c.725G>C, p.Gly242Ala (NM_001353978.3, NM_001353981.2, NM_001353984.2); short protein forms G241A, G242A, G175A.
Identifiers: ClinVar variation 3781035 (VCV003781035.1).